The following is an entry in ClinVar:

NM_015330.6(SPECC1L):c.1030A>G (p.Asn344Asp)

Genes: SPECC1L (sperm antigen with calponin homology and coiled-coil domains 1 like; plus strand), SPECC1L-ADORA2A (SPECC1L-ADORA2A readthrough (NMD candidate); plus strand). Cytogenetic location: 22q11.23.
Variant type: single nucleotide variant.
Coding change: c.1030A>G on transcript NM_015330.6 (MANE Select); coding-DNA position 1030, A replaced by G.
Protein change: p.Asn344Asp; replaces asparagine 344 with aspartic acid.
Molecular consequence: missense variant. On other transcripts: non-coding transcript variant (1).
Genome position (GRCh38, 1-based): chr22:24,322,010, A>G. VCF-style: chr22-24322010-A-G. GRCh37 (hg19) VCF-style: chr22-24717978-A-G.
Other names: c.1030A>G, p.Asn344Asp (NM_001145468.4, NM_001254732.3); short protein forms N344D.
Identifiers: ClinVar variation 3377302 (VCV003377302.1).

ClinVar aggregate classification (germline): Uncertain significance (1 of 4 stars; one submission).

Conditions:
Teebi hypertelorism syndrome 1. Identifiers: Orphanet 1519, MedGen CN306405, MONDO:0800025, OMIM 145420.

Submission:

Victorian Clinical Genetics Services, Murdoch Childrens Research Institute
Classification: Uncertain significance for Teebi hypertelorism syndrome 1. Last evaluated: 2024-10-09. Review status: criteria provided, single submitter. Criteria: ACMG Guidelines, 2015. Collection method: clinical testing. Allele origin: germline. Inheritance: Autosomal dominant inheritance. Affected: yes.
Comment: Based on the classification scheme VCGS_Germline_v1.3.4, this variant is classified as VUS-3B. Following criteria are met: 0105 - The mechanism of disease for this gene is not clearly established. Gain of function has been suggested as a mechanism of disease, however, a dominant negative mechanism has not been excluded (PMID: 34302166). (I) 0107 - This gene is associated with autosomal dominant disease. (I) 0200 - Variant is predicted to result in a missense amino acid change from asparagine to aspartic acid. (I) 0251 - This variant is heterozygous. (I) 0301 - Variant is absent from gnomAD (both v2 and v3). (SP) 0309 - Multiple alternative amino acid changes at the same position have been observed in gnomAD (v2) (highest allele count: 2 heterozygotes, 0 homozygotes). (I) 0503 - Missense variant consistently predicted to be tolerated by multiple in silico tools or not conserved in placental mammals with a minor amino acid change. (SB) 0604 - Variant is not located in an established domain, motif, hotspot or informative constraint region. (I) 0708 - Other missense variants comparable to the one identified in this case have conflicting previous evidence for pathogenicity. Two alternative changes, p.(Asn344Thr) and p.(Asn344Ser), have been classified as VUS and benign by clinical laboratories in ClinVar, respectively. (I) 0807 - This variant has no previous evidence of pathogenicity. (I) 0905 - No published segregation evidence has been identified for this variant. (I) 1007 - No published functional evidence has been identified for this variant. (I) 1208 - Inheritance information for this variant is not currently available in this individual. (I) Legend: (SP) - Supporting pathogenic, (I) - Information, (SB) - Supporting benign

Literature cited by the submitters: PubMed 34302166.